The following is an entry in ClinVar:

NM_012120.3(CD2AP):c.764dup (p.Ser256fs)

Gene: CD2AP (CD2 associated protein; plus strand). Cytogenetic location: 6p12.3.
Variant type: Duplication.
Coding change: c.764dup on transcript NM_012120.3 (MANE Select); coding-DNA position 764, one base duplicated (A; older notation c.764dupA).
Protein change: p.Ser256fs; shifts the reading frame from serine 256.
Molecular consequence: frameshift variant.
Genome position (GRCh38, 1-based): chr6:47,576,558, A duplicated. VCF-style (leftmost placement, unchanged base first): chr6-47576557-C-CA. GRCh37 (hg19) VCF-style: chr6-47544293-C-CA.
Other names: short protein forms S256fs.
Identifiers: ClinVar variation 931125 (VCV000931125.11), dbSNP rs776297606, ClinGen allele CA3844089.

ClinVar aggregate classification (germline): Pathogenic/Likely pathogenic. Review status: criteria provided, multiple submitters, no conflicts (2 of 4 stars). 3 submissions from 3 submitters: Pathogenic (1); Likely pathogenic (2). Last evaluated 2025-12-23.

Conditions:
Focal segmental glomerulosclerosis 3, susceptibility to (FSGS3). Identifiers: Orphanet 656, MedGen C1842982, MONDO:0011917, OMIM 607832.

Allele frequency attached by ClinVar (database versions not stated): gnomAD 0.00001 and 0.00002; TOPMed 0.00001; ExAC 0.00002; gnomAD exomes 0.00003 and 0.00004.

Submissions (3):

Labcorp Genetics (formerly Invitae), Labcorp
Classification: Pathogenic. Last evaluated: 2025-12-23. Review status: criteria provided, single submitter. Criteria: Invitae Variant Classification Sherloc (09022015). Collection method: clinical testing. Allele origin: germline.
Comment: This sequence change creates a premature translational stop signal (p.Ser256Glufs*12) in the CD2AP gene. It is expected to result in an absent or disrupted protein product. Loss-of-function variants in CD2AP are known to be pathogenic (PMID: 10514378, 12764198, 17713465, 19131354, 30612599, 34408996). The frequency data for this variant in the population databases is considered unreliable, as metrics indicate poor data quality at this position in the gnomAD database. This variant has not been reported in the literature in individuals affected with CD2AP-related conditions. ClinVar contains an entry for this variant (Variation ID: 931125). For these reasons, this variant has been classified as Pathogenic.

Fulgent Genetics
Classification: Likely pathogenic for Focal segmental glomerulosclerosis 3, susceptibility to. Last evaluated: 2024-04-11. Review status: criteria provided, single submitter. Criteria: ACMG Guidelines, 2015. Collection method: clinical testing. Allele origin: germline.

Centre for Mendelian Genomics, University Medical Centre Ljubljana
Classification: Likely pathogenic for Focal segmental glomerulosclerosis 3, susceptibility to. Last evaluated: 2019-06-12. Review status: criteria provided, single submitter. Criteria: ACMG Guidelines, 2015. Collection method: clinical testing. Allele origin: unknown. Affected: yes.
Comment: This variant was classified as: Likely pathogenic. The following ACMG criteria were applied in classifying this variant: PVS1,PM2. This variant was detected in homozygous state.

Literature cited by the submitters: PubMed 10514378 (cited by Labcorp Genetics (formerly Invitae), Labcorp); PubMed 12764198 (cited by Labcorp Genetics (formerly Invitae), Labcorp); PubMed 17713465 (cited by Labcorp Genetics (formerly Invitae), Labcorp); PubMed 19131354 (cited by Labcorp Genetics (formerly Invitae), Labcorp); PubMed 30612599 (cited by Labcorp Genetics (formerly Invitae), Labcorp); PubMed 34408996 (cited by Labcorp Genetics (formerly Invitae), Labcorp).